The following is an entry in ClinVar:

ClinVar aggregate classification (germline): Uncertain significance (1 of 4 stars; one submission).

gnomAD v4.1: 5 of 1,599,670 alleles (0.00031%); highest among the groups gnomAD compares: Admixed American, 0.0035%; no homozygotes.

Submission:

Dasa
Classification: Uncertain significance. Last evaluated: 2026-08-03. Review status: criteria provided, single submitter. Criteria: DASA Assertion Criteria. Collection method: clinical testing. Allele origin: germline.
Comment: NM_000810.4(GABRA5):c.1156C>G (p.Pro386Ala) is a missense variant that results in the substitution of proline with alanine. This variant is rare in population databases. The currently available literature and clinical evidence are not sufficient to establish a definitive association between this variant and the reported condition. Therefore, this variant is classified as a variant of uncertain significance.

NM_000810.4(GABRA5):c.1156C>G (p.Pro386Ala)

Gene: GABRA5 (gamma-aminobutyric acid type A receptor subunit alpha5; plus strand). Cytogenetic location: 15q12.
Variant type: single nucleotide variant.
Coding change: c.1156C>G on transcript NM_000810.4 (MANE Select); coding-DNA position 1156, C replaced by G.
Protein change: p.Pro386Ala; replaces proline 386 with alanine.
Molecular consequence: missense variant.
Genome position (GRCh38, 1-based): chr15:26,948,000, C>G. VCF-style: chr15-26948000-C-G. GRCh37 (hg19) VCF-style: chr15-27193147-C-G.
Other names: c.1156C>G, p.Pro386Ala (NM_001165037.2); short protein forms P386A.
Identifiers: ClinVar variation 5020765 (VCV005020765.1).